The following is an entry in ClinVar:

NM_005477.3(HCN4):c.88G>C (p.Glu30Gln)

Gene: HCN4 (hyperpolarization activated cyclic nucleotide gated potassium channel 4; minus strand). Cytogenetic location: 15q24.1.
Variant type: single nucleotide variant.
Coding change: c.88G>C on transcript NM_005477.3 (MANE Select); coding-DNA position 88, G replaced by C.
Protein change: p.Glu30Gln; replaces glutamic acid 30 with glutamine.
Molecular consequence: missense variant.
Genome position (GRCh38, 1-based): chr15:73,368,183, C>G on the plus strand (G>C on the coding strand, the complement: HCN4 is on the minus strand). VCF-style: chr15-73368183-C-G. GRCh37 (hg19) VCF-style: chr15-73660524-C-G.
Other names: short protein forms E30Q.
Identifiers: ClinVar variation 955773 (VCV000955773.9), dbSNP rs786205802, ClinGen allele CA393099072.

ClinVar aggregate classification (germline): Uncertain significance. Review status: criteria provided, multiple submitters, no conflicts (2 of 4 stars). 2 submissions from 2 submitters: Uncertain significance (2). Last evaluated 2024-02-21.

Conditions:
Brugada syndrome 8 (BRGDA8). Identifiers: Orphanet 130, MedGen C2751083, MONDO:0013148, OMIM 613123.

Allele frequency attached by ClinVar (database versions not stated): TOPMed below 0.00001.
gnomAD v4.1: 56 of 1,533,680 alleles (0.0037%); highest among the groups gnomAD compares: Middle Eastern, 0.017%; no homozygotes.

Submissions (2):

Labcorp Genetics (formerly Invitae), Labcorp
Classification: Uncertain significance for Brugada syndrome 8. Last evaluated: 2024-02-21. Review status: criteria provided, single submitter. Criteria: Invitae Variant Classification Sherloc (09022015). Collection method: clinical testing. Allele origin: germline.
Comment: This sequence change replaces glutamic acid, which is acidic and polar, with glutamine, which is neutral and polar, at codon 30 of the HCN4 protein (p.Glu30Gln). This variant is not present in population databases (gnomAD no frequency). This variant has not been reported in the literature in individuals affected with HCN4-related conditions. ClinVar contains an entry for this variant (Variation ID: 955773). Advanced modeling of protein sequence and biophysical properties (such as structural, functional, and spatial information, amino acid conservation, physicochemical variation, residue mobility, and thermodynamic stability) performed at Invitae indicates that this missense variant is not expected to disrupt HCN4 protein function with a negative predictive value of 95%. In summary, the available evidence is currently insufficient to determine the role of this variant in disease. Therefore, it has been classified as a Variant of Uncertain Significance.

GeneDx
Classification: Uncertain significance. Last evaluated: 2023-06-14. Review status: criteria provided, single submitter. Criteria: GeneDx Variant Classification Process June 2021. Collection method: clinical testing. Allele origin: germline. Affected: yes.
Comment: Has not been previously published as pathogenic or benign to our knowledge; Not observed at significant frequency in large population cohorts (gnomAD); In silico analysis supports that this missense variant does not alter protein structure/function